The following is an entry in ClinVar:

ClinVar aggregate classification (germline): Uncertain significance (1 of 4 stars; one submission).

Submission:

GeneDx
Classification: Uncertain significance. Last evaluated: 2023-12-21. Review status: criteria provided, single submitter. Criteria: GeneDx Variant Classification Process June 2021. Collection method: clinical testing. Allele origin: germline. Affected: yes.
Comment: Not observed at significant frequency in large population cohorts (gnomAD); In silico analysis suggests this variant may impact gene splicing. In the absence of RNA/functional studies, the actual effect of this sequence change is unknown.; Has not been previously published as pathogenic or benign to our knowledge

NM_005932.4(MIPEP):c.1970+3A>G

Gene: MIPEP (mitochondrial intermediate peptidase; minus strand). Cytogenetic location: 13q12.12.
Variant type: single nucleotide variant.
Coding change: c.1970+3A>G on transcript NM_005932.4 (MANE Select); 3 bases into the intron after coding-DNA position 1970, A replaced by G.
Molecular consequence: intron variant.
Genome position (GRCh38, 1-based): chr13:23,760,093, T>C on the plus strand (A>G on the coding strand, the complement: MIPEP is on the minus strand). VCF-style: chr13-23760093-T-C. GRCh37 (hg19) VCF-style: chr13-24334232-T-C.
Identifiers: ClinVar variation 3370198 (VCV003370198.1).